The following is an entry in ClinVar:

ClinVar aggregate classification (germline): Pathogenic/Likely pathogenic. Review status: criteria provided, multiple submitters, no conflicts (2 of 4 stars). 4 submissions from 4 submitters: Pathogenic (1); Likely pathogenic (2). 1 of the submissions does not count toward it. Last evaluated 2026-03-16.

Conditions:
Maple syrup urine disease (MSUD). Identifiers: Orphanet 511, MedGen C0024776, MeSH D008375, MONDO:0009563. Disease mechanism: loss of function.
Maple syrup urine disease type 1A (MSUD1A). Also called: MSUD type 1A. Identifiers: MedGen C1855369, MONDO:0023691, OMIM 248600.
Maple syrup urine disease type 2 (MSUD2). Also called: Maple syrup urine disease, type II. Identifiers: MedGen C1855371, MONDO:0023693, OMIM 620699.

Allele frequency attached by ClinVar (database versions not stated): gnomAD exomes 0.00001.
gnomAD v4.1: 20 of 1,613,142 alleles (0.0012%); highest among the groups gnomAD compares: Non-Finnish European, 0.0014%; no homozygotes.

Submissions (4):

GeneDx
Classification: Likely pathogenic. Last evaluated: 2026-03-16. Review status: criteria provided, single submitter. Criteria: GeneDx Variant Classification Process June 2021. Collection method: clinical testing. Allele origin: germline.
Comment: Not observed at significant frequency in large population cohorts (gnomAD); In silico analysis supports that this missense variant has a deleterious effect on protein structure/function; This variant is associated with the following publications: (PMID: 27243974)

Myriad Genetics, Inc.
Classification: Likely pathogenic for Maple syrup urine disease type 2. Last evaluated: 2025-01-07. Review status: criteria provided, single submitter. Criteria: Myriad Autosomal Dominant, Autosomal Recessive and X-Linked Classification Criteria (2023). Collection method: clinical testing. Allele origin: unknown.
Comment: NM_001918.3(DBT):c.1195T>G(S399A) is a missense variant classified as likely pathogenic in the context of maple syrup urine disease type II. S399A has been observed in a case with relevant disease (PMID: 27243974). Relevant functional assessments of this variant are not available in the literature. Internal structural analysis of the variant is supportive of pathogenicity. S399A has not been observed in referenced population frequency databases. In summary, NM_001918.3(DBT):c.1195T>G(S399A) is a missense variant that has internal structural support for pathogenicity and has been observed more frequently in cases with the relevant disease than in healthy populations. Please note: this variant was assessed in the context of healthy population screening.

Labcorp Genetics (formerly Invitae), Labcorp
Classification: Pathogenic for Maple syrup urine disease. Last evaluated: 2023-10-30. Review status: criteria provided, single submitter. Criteria: Invitae Variant Classification Sherloc (09022015). Collection method: clinical testing. Allele origin: germline.
Comment: This sequence change replaces serine, which is neutral and polar, with alanine, which is neutral and non-polar, at codon 399 of the DBT protein (p.Ser399Ala). This variant is not present in population databases (gnomAD no frequency). This missense change has been observed in individual(s) with maple syrup urine disease (PMID: 27243974). In at least one individual the data is consistent with being in trans (on the opposite chromosome) from a pathogenic variant. ClinVar contains an entry for this variant (Variation ID: 551600). Advanced modeling of protein sequence and biophysical properties (such as structural, functional, and spatial information, amino acid conservation, physicochemical variation, residue mobility, and thermodynamic stability) performed at Invitae indicates that this missense variant is expected to disrupt DBT protein function with a positive predictive value of 95%. This variant disrupts the p.Ser399 amino acid residue in DBT. Other variant(s) that disrupt this residue have been determined to be pathogenic (PMID: 30228974). This suggests that this residue is clinically significant, and that variants that disrupt this residue are likely to be disease-causing. For these reasons, this variant has been classified as Pathogenic.

Counsyl
Classification: Uncertain significance for Maple syrup urine disease type 1A. Last evaluated: 2017-04-24. Review status: no assertion criteria provided. Collection method: clinical testing. Allele origin: unknown. Not counted in ClinVar's aggregate classification.

Literature cited by the submitters: PubMed 27243974 (cited by 3 submitters); PubMed 30228974 (cited by Labcorp Genetics (formerly Invitae), Labcorp).

NM_001918.5(DBT):c.1195T>G (p.Ser399Ala)

Gene: DBT (dihydrolipoamide branched chain transacylase E2; minus strand). Cytogenetic location: 1p21.2.
Variant type: single nucleotide variant.
Coding change: c.1195T>G on transcript NM_001918.5 (MANE Select); coding-DNA position 1195, T replaced by G.
Protein change: p.Ser399Ala; replaces serine 399 with alanine.
Molecular consequence: missense variant.
Genome position (GRCh38, 1-based): chr1:100,206,459, A>C on the plus strand (T>G on the coding strand, the complement: DBT is on the minus strand). VCF-style: chr1-100206459-A-C. GRCh37 (hg19) VCF-style: chr1-100672015-A-C.
Other names: c.1195T>G (NM_001918.2); short protein forms S399A.
Identifiers: ClinVar variation 551600 (VCV000551600.7), dbSNP rs1553229654, ClinGen allele CA341330332.
Genomic context (GRCh38, chr1:100,206,459, plus strand): 5'-CAGAAACCTTAAGTAATGGTTTATGTATTTCAACATTATTACTCACTGATCCAATGTTGG[A>C]AAGAGTAAATGTTCCTCCTGTAAGATCAGTGGTGCTGAGCTGACTCACAGAGCCCAATTT-3'
Protein context (NP_001909.4, residues 389-409): TDLTGGTFTL[Ser399Ala]NIGSIGGTFA